The following is an entry in ClinVar:

NM_000540.3(RYR1):c.6797-3C>T

Gene: RYR1 (ryanodine receptor 1; plus strand). Cytogenetic location: 19q13.2.
Variant type: single nucleotide variant.
Coding change: c.6797-3C>T on transcript NM_000540.3 (MANE Select); 3 bases into the intron before coding-DNA position 6797, C replaced by T.
Molecular consequence: intron variant.
Genome position (GRCh38, 1-based): chr19:38,496,857, C>T. VCF-style: chr19-38496857-C-T. GRCh37 (hg19) VCF-style: chr19-38987497-C-T.
Other names: c.6797-3C>T (NM_001042723.2).
Identifiers: ClinVar variation 1382374 (VCV001382374.6), dbSNP rs766633897, ClinGen allele CA2573156302.

ClinVar aggregate classification (germline): Conflicting classifications of pathogenicity. Review status: criteria provided, conflicting classifications (1 of 4 stars). 2 submissions from 2 submitters: Uncertain significance (1); Likely benign (1). Last evaluated 2023-10-13.

Conditions:
Malignant hyperthermia, susceptibility to, 1 (MHS1). Also called: RYR1-Related Malignant Hyperthermia Susceptibility; Anesthesia related hyperthermia; Malignant hyperpyrexia; Fulminating hyperpyrexia; Pharmacogenic myopathy; Malignant hyperthermia suceptibility 1. Identifiers: Orphanet 423, MedGen C2930980, MONDO:0007783, OMIM 145600.
RYR1-related disorder. Also called: RYR1-related disorders; RYR1-related condition. Identifiers: MedGen CN239331.

gnomAD v4.1: 9 of 1,612,860 alleles (0.00056%); highest among the groups gnomAD compares: South Asian, 0.0011%; no homozygotes.

Submissions (2):

Color Diagnostics, LLC DBA Color Health
Classification: Likely benign for Malignant hyperthermia, susceptibility to, 1. Last evaluated: 2023-10-13. Review status: criteria provided, single submitter. Criteria: ACMG Guidelines, 2015. Collection method: clinical testing. Allele origin: germline.

Labcorp Genetics (formerly Invitae), Labcorp
Classification: Uncertain significance for RYR1-related disorder. Last evaluated: 2021-06-13. Review status: criteria provided, single submitter. Criteria: Invitae Variant Classification Sherloc (09022015). Collection method: clinical testing. Allele origin: germline.
Comment: In summary, the available evidence is currently insufficient to determine the role of this variant in disease. Therefore, it has been classified as a Variant of Uncertain Significance. Nucleotide substitutions within the consensus splice site are a relatively common cause of aberrant splicing (PMID: 17576681, 9536098). Algorithms developed to predict the effect of sequence changes on RNA splicing suggest that this variant is not likely to affect RNA splicing, but this prediction has not been confirmed by published transcriptional studies. This variant has not been reported in the literature in individuals with RYR1-related conditions. This variant is not present in population databases (ExAC no frequency). This sequence change falls in intron 41 of the RYR1 gene. It does not directly change the encoded amino acid sequence of the RYR1 protein. It affects a nucleotide within the consensus splice site of the intron.

Literature cited by the submitters: PubMed 17576681 (cited by Labcorp Genetics (formerly Invitae), Labcorp); PubMed 9536098 (cited by Labcorp Genetics (formerly Invitae), Labcorp).